The following is an entry in ClinVar:

NM_000127.3(EXT1):c.157C>A (p.His53Asn)

Gene: EXT1 (exostosin glycosyltransferase 1; minus strand). Cytogenetic location: 8q24.11.
Variant type: single nucleotide variant.
Coding change: c.157C>A on transcript NM_000127.3 (MANE Select); coding-DNA position 157, C replaced by A.
Protein change: p.His53Asn; replaces histidine 53 with asparagine.
Molecular consequence: missense variant.
Genome position (GRCh38, 1-based): chr8:118,110,890, G>T on the plus strand (C>A on the coding strand, the complement: EXT1 is on the minus strand). VCF-style: chr8-118110890-G-T. GRCh37 (hg19) VCF-style: chr8-119123129-G-T.
Other names: short protein forms H53N.
Identifiers: ClinVar variation 3002109 (VCV003002109.3), dbSNP rs2130045227, ClinGen allele CA371916479.

ClinVar aggregate classification (germline): Uncertain significance (1 of 4 stars; one submission).

Conditions:
Multiple congenital exostosis (EXT). Also called: Hereditary multiple exostoses; Hereditary multiple exostosis; Multiple osteochondromas; Multiple exostoses; MULTIPLE CARTILAGINOUS EXOSTOSES; Hereditary multiple osteochondromas. Identifiers: Orphanet 321, MedGen C0015306, MONDO:0005508, HP:0002762.

Submission:

Labcorp Genetics (formerly Invitae), Labcorp
Classification: Uncertain significance for Multiple congenital exostosis. Last evaluated: 2025-09-29. Review status: criteria provided, single submitter. Criteria: Invitae Variant Classification Sherloc (09022015). Collection method: clinical testing. Allele origin: germline.
Comment: This sequence change replaces histidine, which is basic and polar, with asparagine, which is neutral and polar, at codon 53 of the EXT1 protein (p.His53Asn). This variant is not present in population databases (gnomAD no frequency). This variant has not been reported in the literature in individuals affected with EXT1-related conditions. ClinVar contains an entry for this variant (Variation ID: 3002109). Invitae Evidence Modeling of protein sequence and biophysical properties (such as structural, functional, and spatial information, amino acid conservation, physicochemical variation, residue mobility, and thermodynamic stability) indicates that this missense variant is not expected to disrupt EXT1 protein function with a negative predictive value of 95%. In summary, the available evidence is currently insufficient to determine the role of this variant in disease. Therefore, it has been classified as a Variant of Uncertain Significance.